The following is an entry in ClinVar:

NM_016938.5(EFEMP2):c.1258A>G (p.Met420Val)

Genes: EFEMP2 (EGF-like fibulin extracellular matrix protein 2; minus strand), MUS81 (MUS81 structure-specific endonuclease subunit; plus strand). Cytogenetic location: 11q13.1.
Variant type: single nucleotide variant.
Coding change: c.1258A>G on transcript NM_016938.5 (MANE Select); coding-DNA position 1258, A replaced by G.
Protein change: p.Met420Val; replaces methionine 420 with valine.
Molecular consequence: missense variant. On other transcripts: non-coding transcript variant (1).
Genome position (GRCh38, 1-based): chr11:65,866,992, T>C on the plus strand (A>G on the coding strand, the complement: EFEMP2 is on the minus strand). VCF-style: chr11-65866992-T-C. GRCh37 (hg19) VCF-style: chr11-65634463-T-C.
Other names: short protein forms M420V.
Identifiers: ClinVar variation 4870192 (VCV004870192.1).
Genomic context (GRCh38, chr11:65,866,992, plus strand): 5'-CCCCTACAAAGACGGTGAGCCTCAGTACAGAGCTGGCCCGGTAGCTCATGAGGGAATTCA[T>C]GGTGACCATCTCCAGGTCCAGCACGTACTCCCGGGGGCCCGTCACCGGCCGGGCGAGGAC-3'
Protein context (NP_058634.4, residues 410-430): EYVLDLEMVT[Met420Val]NSLMSYRASS

ClinVar aggregate classification (germline): Uncertain significance (1 of 4 stars; one submission).

Conditions:
Cardiovascular phenotype. Identifiers: MedGen CN230736.

Submission:

Ambry Genetics
Classification: Uncertain significance for Cardiovascular phenotype. Last evaluated: 2026-06-09. Review status: criteria provided, single submitter. Criteria: Ambry Variant Classification Scheme 2023. Collection method: clinical testing. Allele origin: germline.
Comment: The p.M420V variant (also known as c.1258A>G), located in coding exon 10 of the EFEMP2 gene, results from an A to G substitution at nucleotide position 1258. The methionine at codon 420 is replaced by valine, an amino acid with highly similar properties. This amino acid position is conserved. In addition, this alteration is predicted to be tolerated by in silico analysis. Based on the available evidence, the clinical significance of this variant remains unclear.